The following is an entry in ClinVar:

ClinVar aggregate classification (germline): Uncertain significance (1 of 4 stars; one submission).

Submission:

Labcorp Genetics (formerly Invitae), Labcorp
Classification: Uncertain significance. Last evaluated: 2023-05-25. Review status: criteria provided, single submitter. Criteria: Invitae Variant Classification Sherloc (09022015). Collection method: clinical testing. Allele origin: germline.
Comment: In summary, the available evidence is currently insufficient to determine the role of this variant in disease. Therefore, it has been classified as a Variant of Uncertain Significance. An algorithm developed to predict the effect of missense changes on protein structure and function (PolyPhen-2) suggests that this variant is likely to be disruptive. ClinVar contains an entry for this variant (Variation ID: 2010347). This missense change has been observed in individual(s) with clinical features of autosomal recessive familial exudative retinopathy (Invitae). This variant is present in population databases (no rsID available, gnomAD 0.0009%). This sequence change replaces lysine, which is basic and polar, with glutamic acid, which is acidic and polar, at codon 697 of the LRP5 protein (p.Lys697Glu).

NM_002335.4(LRP5):c.2089A>G (p.Lys697Glu)

Gene: LRP5 (LDL receptor related protein 5; plus strand). Cytogenetic location: 11q13.2.
Variant type: single nucleotide variant.
Coding change: c.2089A>G on transcript NM_002335.4 (MANE Select); coding-DNA position 2089, A replaced by G.
Protein change: p.Lys697Glu; replaces lysine 697 with glutamic acid.
Molecular consequence: missense variant.
Genome position (GRCh38, 1-based): chr11:68,406,811, A>G. VCF-style: chr11-68406811-A-G. GRCh37 (hg19) VCF-style: chr11-68174279-A-G.
Other names: c.346A>G, p.Lys116Glu (NM_001291902.2); short protein forms K697E, K116E.
Identifiers: ClinVar variation 2010347 (VCV002010347.4), dbSNP rs1261117474, ClinGen allele CA381615937.